The following is an entry in ClinVar:

ClinVar aggregate classification (germline): Uncertain significance (1 of 4 stars; one submission).

Conditions:
Predisposition to invasive fungal disease due to CARD9 deficiency (IMD103). Also called: Candidiasis, familial, 2, autosomal recessive; CARD9 IMMUNODEFICIENCY; IMMUNODEFICIENCY 103, SUSCEPTIBILITY TO FUNGAL INFECTIONS. Identifiers: Orphanet 457088, MedGen C1859353, MONDO:0008905, OMIM 212050.

Allele frequency attached by ClinVar (database versions not stated): TOPMed below 0.00001; gnomAD 0.00002.

Submission:

Labcorp Genetics (formerly Invitae), Labcorp
Classification: Uncertain significance for Predisposition to invasive fungal disease due to CARD9 deficiency. Last evaluated: 2022-08-23. Review status: criteria provided, single submitter. Criteria: Invitae Variant Classification Sherloc (09022015). Collection method: clinical testing. Allele origin: germline.
Comment: This sequence change replaces threonine, which is neutral and polar, with isoleucine, which is neutral and non-polar, at codon 533 of the CARD9 protein (p.Thr533Ile). This variant is present in population databases (rs577731110, gnomAD 0.009%). This variant has not been reported in the literature in individuals affected with CARD9-related conditions. Algorithms developed to predict the effect of missense changes on protein structure and function are either unavailable or do not agree on the potential impact of this missense change (SIFT: "Deleterious"; PolyPhen-2: "Possibly Damaging"; Align-GVGD: "Class C0"). In summary, the available evidence is currently insufficient to determine the role of this variant in disease. Therefore, it has been classified as a Variant of Uncertain Significance.

NM_052813.5(CARD9):c.1598C>T (p.Thr533Ile)

Gene: CARD9 (caspase recruitment domain family member 9; minus strand). Cytogenetic location: 9q34.3.
Variant type: single nucleotide variant.
Coding change: c.1598C>T on transcript NM_052813.5 (MANE Select); coding-DNA position 1598, C replaced by T.
Protein change: p.Thr533Ile; replaces threonine 533 with isoleucine.
Molecular consequence: missense variant. On other transcripts: intron variant (1).
Genome position (GRCh38, 1-based): chr9:136,364,315, G>A on the plus strand (C>T on the coding strand, the complement: CARD9 is on the minus strand). VCF-style: chr9-136364315-G-A. GRCh37 (hg19) VCF-style: chr9-139258767-G-A.
Other names: c.1442-153C>T (NM_052814.4); short protein forms T533I.
Identifiers: ClinVar variation 2182479 (VCV002182479.1), dbSNP rs577731110, ClinGen allele CA201605955.
Genomic context (GRCh38, chr9:136,364,315, plus strand): 5'-AGGCCGGGCCGGTGGGTGTGCCCTGGTCGGGGCCTGCGCTGCTGCGGCTAGGAGCCCTCA[G>A]TGTCGGTGTTGTCGCTGCCCGTGGTGTTCTCCCGGTCCTCCTCCCCCTGCCGCCATCCTT-3'
Protein context (NP_434700.2, residues 523-536): ENTTGSDNTD[Thr533Ile]EGS